The following is an entry in ClinVar:

ClinVar aggregate classification (germline): Likely benign. Review status: criteria provided, single submitter (1 of 4 stars). 2 submissions from 2 submitters: Likely benign (1). 1 of the submissions does not count toward it. Last evaluated 2025-08-29.

Conditions:
ADCY3-related disorder. Also called: ADCY3-related condition.

Allele frequency attached by ClinVar (database versions not stated): gnomAD 0.00002; ExAC 0.00003; TOPMed 0.00004.
gnomAD v4.1: 51 of 1,611,526 alleles (0.0032%); highest among the groups gnomAD compares: Admixed American, 0.015%; no homozygotes.

Submissions (2):

Labcorp Genetics (formerly Invitae), Labcorp
Classification: Likely benign. Last evaluated: 2025-08-29. Review status: criteria provided, single submitter. Criteria: Invitae Variant Classification Sherloc (09022015). Collection method: clinical testing. Allele origin: germline.

PreventionGenetics, part of Exact Sciences
Classification: Likely benign for ADCY3-related condition. Last evaluated: 2021-04-06. Review status: no assertion criteria provided. Collection method: clinical testing. Allele origin: germline. Not counted in ClinVar's aggregate classification.
Comment: This variant is classified as likely benign based on ACMG/AMP sequence variant interpretation guidelines (Richards et al. 2015 PMID: 25741868, with internal and published modifications).

NM_004036.5(ADCY3):c.612C>G (p.Val204=)

Gene: ADCY3 (adenylate cyclase 3; minus strand). Cytogenetic location: 2p23.3.
Variant type: single nucleotide variant.
Coding change: c.612C>G on transcript NM_004036.5 (MANE Select); coding-DNA position 612, C replaced by G.
Protein change: p.Val204=; no amino-acid change (valine 204 retained).
Molecular consequence: synonymous variant.
Genome position (GRCh38, 1-based): chr2:24,918,376, G>C on the plus strand (C>G on the coding strand, the complement: ADCY3 is on the minus strand). VCF-style: chr2-24918376-G-C. GRCh37 (hg19) VCF-style: chr2-25141245-G-C.
Other names: c.612C>G, p.Val204= (NM_001377129.1, NM_001377130.1, NM_001377132.1 and 2 more transcripts).
Identifiers: ClinVar variation 3033748 (VCV003033748.3), dbSNP rs79278464, ClinGen allele CA1554471.
Genomic context (GRCh38, chr2:24,918,376, plus strand): 5'-CCGCAGCAGCTGCATCCCCTTGAGCTCCTCCTGCTGCTGCTGGGCCACGGTGACCCCCAG[G>C]ACCAACGTGTGCACCACACAGGAGACCACGGAGATGATCACGATGGGGCTGAGGCTGAGG-3'
Protein context (NP_004027.2, residues 194-214): SVVSCVVHTL[Val204=]LGVTVAQQQQ